The following is an entry in ClinVar:

ClinVar aggregate classification (germline): Uncertain significance (1 of 4 stars; one submission).

Submission:

Labcorp Genetics (formerly Invitae), Labcorp
Classification: Uncertain significance. Last evaluated: 2024-02-09. Review status: criteria provided, single submitter. Criteria: Invitae Variant Classification Sherloc (09022015). Collection method: clinical testing. Allele origin: germline.
Comment: This sequence change replaces proline, which is neutral and non-polar, with threonine, which is neutral and polar, at codon 26 of the EIF2B3 protein (p.Pro26Thr). This variant is not present in population databases (gnomAD no frequency). This variant has not been reported in the literature in individuals affected with EIF2B3-related conditions. ClinVar contains an entry for this variant (Variation ID: 2008096). Advanced modeling of protein sequence and biophysical properties (such as structural, functional, and spatial information, amino acid conservation, physicochemical variation, residue mobility, and thermodynamic stability) has been performed at Invitae for this missense variant, however the output from this modeling did not meet the statistical confidence thresholds required to predict the impact of this variant on EIF2B3 protein function. In summary, the available evidence is currently insufficient to determine the role of this variant in disease. Therefore, it has been classified as a Variant of Uncertain Significance.

NM_020365.5(EIF2B3):c.76C>A (p.Pro26Thr)

Gene: EIF2B3 (eukaryotic translation initiation factor 2B subunit gamma; minus strand). Cytogenetic location: 1p34.1.
Variant type: single nucleotide variant.
Coding change: c.76C>A on transcript NM_020365.5 (MANE Select); coding-DNA position 76, C replaced by A.
Protein change: p.Pro26Thr; replaces proline 26 with threonine.
Molecular consequence: missense variant.
Genome position (GRCh38, 1-based): chr1:44,981,093, G>T on the plus strand (C>A on the coding strand, the complement: EIF2B3 is on the minus strand). VCF-style: chr1-44981093-G-T. GRCh37 (hg19) VCF-style: chr1-45446765-G-T.
Other names: c.76C>A, p.Pro26Thr (NM_001166588.3, NM_001261418.2); short protein forms P26T.
Identifiers: ClinVar variation 2008096 (VCV002008096.4), dbSNP rs2522788635, ClinGen allele CA340101994.